The following is an entry in ClinVar:

ClinVar aggregate classification (germline): Uncertain significance (1 of 4 stars; one submission).

Conditions:
Neurodegeneration with brain iron accumulation 5 (NBIA5). Also called: Beta-propeller protein-associated neurodegeneration; STATIC ENCEPHALOPATHY OF CHILDHOOD WITH NEURODEGENERATION IN ADULTHOOD. Identifiers: Orphanet 329284, MedGen C3550973, MONDO:0010476, OMIM 300894.

Submission:

Labcorp Genetics (formerly Invitae), Labcorp
Classification: Uncertain significance for Neurodegeneration with brain iron accumulation 5. Last evaluated: 2023-08-24. Review status: criteria provided, single submitter. Criteria: Invitae Variant Classification Sherloc (09022015). Collection method: clinical testing. Allele origin: germline.
Comment: This sequence change replaces threonine, which is neutral and polar, with serine, which is neutral and polar, at codon 302 of the WDR45 protein (p.Thr302Ser). This variant is not present in population databases (gnomAD no frequency). This variant has not been reported in the literature in individuals affected with WDR45-related conditions. Advanced modeling of protein sequence and biophysical properties (such as structural, functional, and spatial information, amino acid conservation, physicochemical variation, residue mobility, and thermodynamic stability) performed at Invitae indicates that this missense variant is not expected to disrupt WDR45 protein function. In summary, the available evidence is currently insufficient to determine the role of this variant in disease. Therefore, it has been classified as a Variant of Uncertain Significance.

NM_001029896.2(WDR45):c.902C>G (p.Thr301Ser)

Gene: WDR45 (WD repeat domain 45; minus strand). Cytogenetic location: Xp11.23.
Variant type: single nucleotide variant.
Coding change: c.902C>G on transcript NM_001029896.2 (MANE Select); coding-DNA position 902, C replaced by G.
Protein change: p.Thr301Ser; replaces threonine 301 with serine.
Molecular consequence: missense variant.
Genome position (GRCh38, 1-based): chrX:49,075,207, G>C on the plus strand (C>G on the coding strand, the complement: WDR45 is on the minus strand). VCF-style: chrX-49075207-G-C. GRCh37 (hg19) VCF-style: chrX-48932866-G-C.
Other names: c.905C>G, p.Thr302Ser (NM_007075.4); short protein forms T302S, T301S.
Identifiers: ClinVar variation 2820450 (VCV002820450.3), dbSNP rs2520260234, ClinGen allele CA412942137.
Genomic context (GRCh38, chrX:49,075,207, plus strand): 5'-TTGACGTTCTTGGAAGTATTGCGACCGAAGGCGCAGATGCAAGCTGACTCAGCAGGCACA[G>C]TGAAGCTCGCCAGGCTCCACTGAGAGTCCACGTACTGCCCAATCATAGGCCCCACCTTGC-3'
Protein context (NP_001025067.1, residues 291-311): VDSQWSLASF[Thr301Ser]VPAESACICA